The following is an entry in ClinVar:

ClinVar aggregate classification (germline): Uncertain significance. Review status: criteria provided, multiple submitters, no conflicts (2 of 4 stars). 2 submissions from 2 submitters: Uncertain significance (2). Last evaluated 2026-09-01.

Conditions:
Congenital myopathy 4B, autosomal recessive. Also called: Nemaline myopathy 1, autosomal dominant or recessive. Identifiers: Orphanet 171433, Orphanet 171439, Orphanet 171881, MedGen C5829889, MONDO:0012239, OMIM 609284.
Congenital myopathy with fiber type disproportion. Also called: Congenital fiber-type disproportion; Congenital fiber-type disproportion myopathy. Identifiers: Orphanet 2020, MedGen C0546264, MONDO:0009711. Inheritance: all.

Allele frequency attached by ClinVar (database versions not stated): gnomAD exomes 0.00001; ExAC 0.00002; TOPMed 0.00002.
gnomAD v4.1: 10 of 1,614,144 alleles (0.00062%); highest among the groups gnomAD compares: South Asian, 0.0011%; no homozygotes.

Submissions (2):

CeGaT Center for Human Genetics Tuebingen
Classification: Uncertain significance. Last evaluated: 2026-09-01. Review status: criteria provided, single submitter. Criteria: CeGaT Center For Human Genetics Tuebingen Variant Classification Criteria Version 2. Collection method: clinical testing. Allele origin: germline. Affected: yes. Observed: 1 variant allele.
Comment: TPM3: PM2, PP2, PP3

Labcorp Genetics (formerly Invitae), Labcorp
Classification: Uncertain significance for Congenital myopathy with fiber type disproportion; Congenital myopathy 4B, autosomal recessive. Last evaluated: 2025-02-10. Review status: criteria provided, single submitter. Criteria: Invitae Variant Classification Sherloc (09022015). Collection method: clinical testing. Allele origin: germline.
Comment: This sequence change replaces arginine, which is basic and polar, with histidine, which is basic and polar, at codon 239 of the TPM3 protein (p.Arg239His). This variant is present in population databases (rs1051212, gnomAD 0.003%). This variant has not been reported in the literature in individuals affected with TPM3-related conditions. ClinVar contains an entry for this variant (Variation ID: 2165715). Invitae Evidence Modeling of protein sequence and biophysical properties (such as structural, functional, and spatial information, amino acid conservation, physicochemical variation, residue mobility, and thermodynamic stability) indicates that this missense variant is expected to disrupt TPM3 protein function with a positive predictive value of 80%. In summary, the available evidence is currently insufficient to determine the role of this variant in disease. Therefore, it has been classified as a Variant of Uncertain Significance.

NM_152263.4(TPM3):c.716G>A (p.Arg239His)

Gene: TPM3 (tropomyosin 3; minus strand). Cytogenetic location: 1q21.3.
Variant type: single nucleotide variant.
Coding change: c.716G>A on transcript NM_152263.4 (MANE Select); coding-DNA position 716, G replaced by A.
Protein change: p.Arg239His; replaces arginine 239 with histidine.
Molecular consequence: missense variant. On other transcripts: non-coding transcript variant (1).
Genome position (GRCh38, 1-based): chr1:154,170,459, C>T on the plus strand (G>A on the coding strand, the complement: TPM3 is on the minus strand). VCF-style: chr1-154170459-C-T. GRCh37 (hg19) VCF-style: chr1-154142935-C-T.
Other names: c.605G>A, p.Arg202His (NM_001043351.2, NM_001043352.2, NM_001043353.2 and 4 more transcripts); c.407G>A, p.Arg136His (NM_001278188.2); c.542G>A, p.Arg181His (NM_001278190.2); c.335G>A, p.Arg112His (NM_001278191.2); c.716G>A, p.Arg239His (NM_001364679.2, NM_001364680.2, NM_001364681.2 and 1 more transcripts); short protein forms R202H, R239H, R136H, R112H, R181H.
Identifiers: ClinVar variation 2165715 (VCV002165715.5), dbSNP rs1051212, ClinGen allele CA1125535.
Genomic context (GRCh38, chr1:154,170,459, plus strand): 5'-CCTTCCAGGTCATCAATTGTCTTTTCCAGCTTGGCTACCGATCTCTCAGCAAACTCAGCA[C>T]GGGTCTCTGCCTGGGGGAAATATGAAATTAGTCAGAACCAGAGATGAAGACAAAGAAGAA-3'
Protein context (NP_689476.2, residues 229-249): LTDKLKEAET[Arg239His]AEFAERSVAK